The following is an entry in ClinVar:

NM_001868.4(CPA1):c.826C>T (p.His276Tyr)

Gene: CPA1 (carboxypeptidase A1; plus strand). Cytogenetic location: 7q32.2.
Variant type: single nucleotide variant.
Coding change: c.826C>T on transcript NM_001868.4 (MANE Select); coding-DNA position 826, C replaced by T.
Protein change: p.His276Tyr; replaces histidine 276 with tyrosine.
Molecular consequence: missense variant.
Genome position (GRCh38, 1-based): chr7:130,385,184, C>T. VCF-style: chr7-130385184-C-T. GRCh37 (hg19) VCF-style: chr7-130025025-C-T.
Other names: short protein forms H276Y.
Identifiers: ClinVar variation 4006062 (VCV004006062.1).

ClinVar aggregate classification (germline): Uncertain significance (1 of 4 stars; one submission).

Conditions:
Hereditary pancreatitis (PCTT). Also called: Hereditary chronic pancreatitis; PRSS1-Related Hereditary Pancreatitis. Identifiers: Orphanet 676, MedGen C0238339, MONDO:0008185, OMIM 167800.

Submission:

Ambry Genetics
Classification: Uncertain significance for Hereditary pancreatitis. Last evaluated: 2025-05-24. Review status: criteria provided, single submitter. Criteria: Ambry Variant Classification Scheme 2023. Collection method: clinical testing. Allele origin: germline.
Comment: The p.H276Y variant (also known as c.826C>T), located in coding exon 8 of the CPA1 gene, results from a C to T substitution at nucleotide position 826. The histidine at codon 276 is replaced by tyrosine, an amino acid with similar properties. This amino acid position is conserved. In addition, this alteration is predicted to be tolerated by in silico analysis. Based on the available evidence, the clinical significance of this variant remains unclear.